The following is an entry in ClinVar:

NM_001303256.3(MORC2):c.905-3C>T

Gene: MORC2 (MORC family CW-type zinc finger 2; minus strand). Cytogenetic location: 22q12.2.
Variant type: single nucleotide variant.
Coding change: c.905-3C>T on transcript NM_001303256.3 (MANE Select); 3 bases into the intron before coding-DNA position 905, C replaced by T.
Molecular consequence: intron variant.
Genome position (GRCh38, 1-based): chr22:30,940,044, G>A on the plus strand (C>T on the coding strand, the complement: MORC2 is on the minus strand). VCF-style: chr22-30940044-G-A. GRCh37 (hg19) VCF-style: chr22-31336031-G-A.
Other names: c.905-3C>T (NM_001303257.2); c.719-3C>T (NM_014941.3).
Identifiers: ClinVar variation 1017541 (VCV001017541.8), dbSNP rs776944473, ClinGen allele CA10187107.
Genomic context (GRCh38, chr22:30,940,044, plus strand): 5'-CCTAGGCGTACTTCTAATGTCCGAGCTTTGCTCTCTGCCTCCCGCGCCTTCTCTTCAGCT[G>A]AAACCCAGAAGAGAACATGGTAAGAAATGCAAAGGTTCAAAACTCTTGGTCATCCCTCCT-3'

ClinVar aggregate classification (germline): Conflicting classifications of pathogenicity. Review status: criteria provided, conflicting classifications (1 of 4 stars). 2 submissions from 2 submitters: Uncertain significance (1); Likely benign (1). Last evaluated 2026-02-18.

Conditions:
Charcot-Marie-Tooth disease axonal type 2Z. Also called: CHARCOT-MARIE-TOOTH DISEASE, AXONAL, AUTOSOMAL DOMINANT, TYPE 2Z; CHARCOT-MARIE-TOOTH NEUROPATHY, TYPE 2Z. Identifiers: Orphanet 466768, MedGen C5569025, MONDO:0014736, OMIM 616688.

Allele frequency attached by ClinVar (database versions not stated): gnomAD exomes below 0.00001 and 0.00002; ExAC 0.00001; gnomAD 0.00002; TOPMed 0.00002.
gnomAD v4.1: 7 of 1,613,062 alleles (0.00043%); highest among the groups gnomAD compares: East Asian, 0.013%; no homozygotes.

Submissions (2):

Women's Health and Genetics/Laboratory Corporation of America, LabCorp
Classification: Uncertain significance. Last evaluated: 2026-02-18. Review status: criteria provided, single submitter. Criteria: LabCorp Variant Classification Summary - May 2015. Collection method: clinical testing. Allele origin: germline.
Comment: Variant summary: MORC2 c.905-3C>T alters a non-conserved nucleotide located close to a canonical splice site and therefore could affect mRNA splicing, leading to a significantly altered protein sequence. Consensus agreement among computation tools predict no significant impact on normal splicing. However, these predictions have yet to be confirmed by functional studies. The variant allele was found at a frequency of 2e-05 in 250136 control chromosomes. The available data on variant occurrences in the general population are insufficient to allow any conclusion about variant significance. To our knowledge, no occurrence of c.905-3C>T in individuals affected with MORC2-related conditions and no experimental evidence demonstrating its impact on protein function have been reported. ClinVar contains an entry for this variant (Variation ID: 1017541). Based on the evidence outlined above, the variant was classified as uncertain significance.

Labcorp Genetics (formerly Invitae), Labcorp
Classification: Likely benign for Charcot-Marie-Tooth disease axonal type 2Z. Last evaluated: 2025-08-15. Review status: criteria provided, single submitter. Criteria: Invitae Variant Classification Sherloc (09022015). Collection method: clinical testing. Allele origin: germline.